The following is an entry in ClinVar:

ClinVar aggregate classification (germline): Uncertain significance. Review status: criteria provided, multiple submitters, no conflicts (2 of 4 stars). 2 submissions from 2 submitters: Uncertain significance (2). Last evaluated 2026-05-20.

Conditions:
Attention deficit hyperactivity disorder (ADHD). Also called: Attention-Deficit/Hyperactivity Disorder. Identifiers: MedGen C1263846, MONDO:0007743, HP:0007018.

Allele frequency attached by ClinVar (database versions not stated): TOPMed 0.00021; ExAC 0.00032; gnomAD 0.00038; gnomAD exomes 0.00031; 1000 Genomes Project 30x 0.00016; 1000 Genomes Project 0.00020; ESP Exome Variant Server 0.00031.
gnomAD v4.1: 501 of 1,614,170 alleles (0.031%); highest among the groups gnomAD compares: Non-Finnish European, 0.033%; 1 homozygote.

Submissions (2):

Oasi Research Institute-IRCCS
Classification: Uncertain significance for Attention Deficit Hyperactivity Disorder. Last evaluated: 2026-05-20. Review status: criteria provided, single submitter. Criteria: ACMG Guidelines, 2015. Collection method: clinical testing. Allele origin: biparental. Inheritance: Autosomal recessive inheritance. Affected: yes. Observed: 1 variant allele, 1 homozygote.
Comment: The variant c.1165G>A (p.Ala389Thr, rs148429804) in LNX2 is a heterozygous missense substitution resulting in the replacement of a nonpolar alanine residue with a polar threonine at codon 389 of the protein. LNX2 (Ligand of Numb protein X 2) encodes an E3 ubiquitin-protein ligase belonging to the LNX family, characterized by the presence of a RING finger and multiple PDZ domains. LNX2 participates in protein–protein interaction networks and is involved in ubiquitination processes that regulate the stability and turnover of target proteins. It has been implicated in pathways related to cell signaling and cell fate determination, including interactions with components of the Notch and Numb signaling machinery. LNX2 is expressed in multiple tissues, including the nervous system, where it contributes to the modulation of signaling cascades relevant to development and cellular differentiation.

Ambry Genetics
Classification: Uncertain significance. Last evaluated: 2021-07-15. Review status: criteria provided, single submitter. Criteria: Ambry Variant Classification Scheme 2023. Collection method: clinical testing. Allele origin: germline.

NM_153371.4(LNX2):c.1165G>A (p.Ala389Thr)

Gene: LNX2 (ligand of numb-protein X 2; minus strand). Cytogenetic location: 13q12.2.
Variant type: single nucleotide variant.
Coding change: c.1165G>A on transcript NM_153371.4 (MANE Select); coding-DNA position 1165, G replaced by A.
Protein change: p.Ala389Thr; replaces alanine 389 with threonine.
Molecular consequence: missense variant.
Genome position (GRCh38, 1-based): chr13:27,562,472, C>T on the plus strand (G>A on the coding strand, the complement: LNX2 is on the minus strand). VCF-style: chr13-27562472-C-T. GRCh37 (hg19) VCF-style: chr13-28136609-C-T.
Other names: short protein forms A389T.
Identifiers: ClinVar variation 2315524 (VCV002315524.3), dbSNP rs148429804, ClinGen allele CA6926922.